The following is an entry in ClinVar:

NM_000051.4(ATM):c.3575A>C (p.Lys1192Thr)

Gene: ATM (ATM serine/threonine kinase; plus strand). Cytogenetic location: 11q22.3.
Variant type: single nucleotide variant.
Coding change: c.3575A>C on transcript NM_000051.4 (MANE Select); coding-DNA position 3575, A replaced by C.
Protein change: p.Lys1192Thr; replaces lysine 1192 with threonine.
Molecular consequence: missense variant.
Genome position (GRCh38, 1-based): chr11:108,281,167, A>C. VCF-style: chr11-108281167-A-C. GRCh37 (hg19) VCF-style: chr11-108151894-A-C.
Other names: c.3575A>C, p.Lys1192Thr (NM_001351834.2); short protein forms K1192T.
Identifiers: ClinVar variation 2119276 (VCV002119276.4), dbSNP rs1555091451, ClinGen allele CA382520786.

ClinVar aggregate classification (germline): Uncertain significance (1 of 4 stars; one submission).

Conditions:
Ataxia-telangiectasia syndrome (AT). Also called: Ataxia-telangiectasia; AT, COMPLEMENTATION GROUP C; ATAXIA-TELANGIECTASIA, COMPLEMENTATION GROUP A; ATAXIA-TELANGIECTASIA, FRESNO VARIANT; Ataxia-telangiectasia, complementation group E; LOUIS-BAR SYNDROME. Identifiers: Orphanet 100, MedGen C0004135, MONDO:0008840, OMIM 208900.

Submission:

Labcorp Genetics (formerly Invitae), Labcorp
Classification: Uncertain significance for Ataxia-telangiectasia syndrome. Last evaluated: 2022-03-29. Review status: criteria provided, single submitter. Criteria: Invitae Variant Classification Sherloc (09022015). Collection method: clinical testing. Allele origin: germline.
Comment: In summary, the available evidence is currently insufficient to determine the role of this variant in disease. Therefore, it has been classified as a Variant of Uncertain Significance. Algorithms developed to predict the effect of sequence changes on RNA splicing suggest that this variant may disrupt the consensus splice site. Algorithms developed to predict the effect of missense changes on protein structure and function (SIFT, PolyPhen-2, Align-GVGD) all suggest that this variant is likely to be disruptive. This variant has not been reported in the literature in individuals affected with ATM-related conditions. This variant is not present in population databases (gnomAD no frequency). This sequence change replaces lysine, which is basic and polar, with threonine, which is neutral and polar, at codon 1192 of the ATM protein (p.Lys1192Thr).